The following is an entry in ClinVar:

ClinVar aggregate classification (germline): Uncertain significance (1 of 4 stars; one submission).

Conditions:
Shprintzen-Goldberg syndrome (SGS). Also called: SHPRINTZEN-GOLDBERG CRANIOSYNOSTOSIS SYNDROME; CRANIOSYNOSTOSIS WITH ARACHNODACTYLY AND ABDOMINAL HERNIAS; Marfanoid disorder with craniosynostosis type 1; Marfanoid craniosynostosis syndrome; Shprintzen-Goldberg marfanoid syndrome. Identifiers: Orphanet 2462, MedGen C1321551, MONDO:0008426, OMIM 182212.

Submission:

Labcorp Genetics (formerly Invitae), Labcorp
Classification: Uncertain significance for Shprintzen-Goldberg syndrome. Last evaluated: 2023-12-22. Review status: criteria provided, single submitter. Criteria: Invitae Variant Classification Sherloc (09022015). Collection method: clinical testing. Allele origin: germline.
Comment: This variant occurs in a non-coding region of the SKI gene. It does not change the encoded amino acid sequence of the SKI protein. This variant is present in population databases (no rsID available, gnomAD no frequency). This variant has not been reported in the literature in individuals affected with SKI-related conditions. ClinVar contains an entry for this variant (Variation ID: 1405564). Experimental studies and prediction algorithms are not available or were not evaluated, and the functional significance of this variant is currently unknown. In summary, the available evidence is currently insufficient to determine the role of this variant in disease. Therefore, it has been classified as a Variant of Uncertain Significance.

NM_003036.4(SKI):c.2154_*4dup (p.Ala718_Ter729=)

Gene: SKI (SKI proto-oncogene; plus strand). Cytogenetic location: 1p36.32.
Variant type: Duplication.
Coding change: c.2154_*4dup on transcript NM_003036.4 (MANE Select); coding-DNA position 2154 through 4 bases downstream of the stop codon, 38 bases duplicated.
Protein change: p.Ala718_Ter729=.
Molecular consequence: no sequence alteration.
Genome position (GRCh38, 1-based): chr1:2,306,732-2,306,769, 38 bases duplicated; duplicating any 38 consecutive bases within chr1:2,306,731-2,306,769 gives the same sequence; the c. name uses the placement nearest the transcript's 3' end. GRCh37 (hg19): chr1:2,238,171-2,238,208.
Identifiers: ClinVar variation 1405564 (VCV001405564.6), dbSNP rs1308786369, ClinGen allele CA521013897.